The following is an entry in ClinVar:

ClinVar aggregate classification (germline): Likely benign. Review status: criteria provided, multiple submitters, no conflicts (2 of 4 stars). 6 submissions from 6 submitters: Likely benign (4). 2 of the submissions do not count toward it. Last evaluated 2025-07-24.

Conditions:
Ehlers-Danlos syndrome, classic type, 1 (EDSCL1). Also called: EDS I; EHLERS-DANLOS SYNDROME, GRAVIS TYPE; EHLERS-DANLOS SYNDROME, SEVERE CLASSIC TYPE; Ehlers-Danlos syndrome, type 1; Ehlers-Danlos Syndrome, Classic Type, COL5A1-Related. Identifiers: MedGen C0268335, MONDO:0019567, OMIM 130000.
Familial thoracic aortic aneurysm and aortic dissection (TAAD). Also called: Thoracic aortic aneurysms and dissections. Identifiers: Orphanet 91387, MedGen C4707243, MONDO:0019625.

Allele frequency attached by ClinVar (database versions not stated): gnomAD 0.00003 and 0.00004; TOPMed 0.00006; gnomAD exomes 0.00007; ExAC 0.00011.
gnomAD v4.1: 62 of 1,609,376 alleles (0.0039%); highest among the groups gnomAD compares: Admixed American, 0.017%; no homozygotes.

Submissions (6):

Molecular Diagnostic Laboratory for Inherited Cardiovascular Disease, Montreal Heart Institute
Classification: Likely benign. Last evaluated: 2025-07-24. Review status: criteria provided, single submitter. Criteria: ACMG Guidelines, 2015. Collection method: clinical testing. Allele origin: germline. Affected: no.
Comment: BP7

Labcorp Genetics (formerly Invitae), Labcorp
Classification: Likely benign for Ehlers-Danlos syndrome, classic type, 1. Last evaluated: 2025-06-24. Review status: criteria provided, single submitter. Criteria: Invitae Variant Classification Sherloc (09022015). Collection method: clinical testing. Allele origin: germline.

Blueprint Genetics
Classification: Likely benign. Last evaluated: 2021-06-04. Review status: criteria provided, single submitter. Criteria: ACMG Guidelines, 2015. Collection method: clinical testing. Allele origin: germline.

Ambry Genetics
Classification: Likely benign for Familial thoracic aortic aneurysm and aortic dissection. Last evaluated: 2020-01-17. Review status: criteria provided, single submitter. Criteria: Ambry Variant Classification Scheme 2023. Collection method: clinical testing. Allele origin: germline.

Clinical Genetics DNA and cytogenetics Diagnostics Lab, Erasmus MC, Erasmus Medical Center
Classification: Likely benign. Review status: no assertion criteria provided. Collection method: clinical testing. Allele origin: germline. Affected: yes. Study: VKGL Data-share Consensus. Not counted in ClinVar's aggregate classification.

Genome Diagnostics Laboratory, University Medical Center Utrecht
Classification: Likely benign. Review status: no assertion criteria provided. Collection method: clinical testing. Allele origin: germline. Affected: yes. Study: VKGL Data-share Consensus. Not counted in ClinVar's aggregate classification.

NM_000393.5(COL5A2):c.537G>A (p.Pro179=)

Gene: COL5A2 (collagen type V alpha 2 chain; minus strand). Cytogenetic location: 2q32.2.
Variant type: single nucleotide variant.
Coding change: c.537G>A on transcript NM_000393.5 (MANE Select); coding-DNA position 537, G replaced by A.
Protein change: p.Pro179=; no amino-acid change (proline 179 retained).
Molecular consequence: synonymous variant.
Genome position (GRCh38, 1-based): chr2:189,092,340, C>T on the plus strand (G>A on the coding strand, the complement: COL5A2 is on the minus strand). VCF-style: chr2-189092340-C-T. GRCh37 (hg19) VCF-style: chr2-189957066-C-T.
Other names: c.537G>A (NM_000393.4).
Identifiers: ClinVar variation 1106907 (VCV001106907.16), dbSNP rs762891893, ClinGen allele CA2023043.
Genomic context (GRCh38, chr2:189,092,340, plus strand): 5'-ACGTGACATCAAACAATGCACACAACTCACCCTGCTCAAGCCATCGGGTCCTGGGTGGGA[C>T]GGATGTCCAGGAGGTCCTGGAGCACCAGGTTGACCAGGAACACCTGGTTCTCCATCAATT-3'
Protein context (NP_000384.2, residues 169-189): QPGAPGPPGH[Pro179=]SHPGPDGLSR